The following is an entry in ClinVar:

ClinVar aggregate classification (germline): Uncertain significance (1 of 4 stars; one submission).

Submission:

Labcorp Genetics (formerly Invitae), Labcorp
Classification: Uncertain significance. Last evaluated: 2024-08-13. Review status: criteria provided, single submitter. Criteria: Invitae Variant Classification Sherloc (09022015). Collection method: clinical testing. Allele origin: germline.
Comment: This sequence change replaces glycine, which is neutral and non-polar, with valine, which is neutral and non-polar, at codon 108 of the MYLK3 protein (p.Gly108Val). This variant is not present in population databases (gnomAD no frequency). This variant has not been reported in the literature in individuals affected with MYLK3-related conditions. An algorithm developed to predict the effect of missense changes on protein structure and function (PolyPhen-2) suggests that this variant is likely to be disruptive. In summary, the available evidence is currently insufficient to determine the role of this variant in disease. Therefore, it has been classified as a Variant of Uncertain Significance.

NM_182493.3(MYLK3):c.323G>T (p.Gly108Val)

Gene: MYLK3 (myosin light chain kinase 3; minus strand). Cytogenetic location: 16q11.2.
Variant type: single nucleotide variant.
Coding change: c.323G>T on transcript NM_182493.3 (MANE Select); coding-DNA position 323, G replaced by T.
Protein change: p.Gly108Val; replaces glycine 108 with valine.
Molecular consequence: missense variant. On other transcripts: intron variant (1).
Genome position (GRCh38, 1-based): chr16:46,747,871, C>A on the plus strand (G>T on the coding strand, the complement: MYLK3 is on the minus strand). VCF-style: chr16-46747871-C-A. GRCh37 (hg19) VCF-style: chr16-46781783-C-A.
Other names: c.-113-7724G>T (NM_001308301.1); short protein forms G108V.
Identifiers: ClinVar variation 3662238 (VCV003662238.2).